The following is an entry in ClinVar:

NM_024642.5(GALNT12):c.628C>T (p.Arg210Ter)

Gene: GALNT12 (polypeptide N-acetylgalactosaminyltransferase 12; plus strand). Cytogenetic location: 9q22.33.
Variant type: single nucleotide variant.
Coding change: c.628C>T on transcript NM_024642.5 (MANE Select); coding-DNA position 628, C replaced by T.
Protein change: p.Arg210Ter; replaces arginine 210 with a stop codon.
Molecular consequence: nonsense.
Genome position (GRCh38, 1-based): chr9:98,826,838, C>T. VCF-style: chr9-98826838-C-T. GRCh37 (hg19) VCF-style: chr9-101589120-C-T.
Other names: short protein forms R210*.
Identifiers: ClinVar variation 1752648 (VCV001752648.3), dbSNP rs1332266053, ClinGen allele CA374217551.
Genomic context (GRCh38, chr9:98,826,838, plus strand): 5'-GAGCTTTCGGGACTGCCCAAGGTGCGCCTGATCCGCGCCAACAAGAGAGAGGGCCTGGTG[C>T]GAGCCCGGCTGCTGGGGGCGTCTGCGGCGAGGGGCGATGTTCTGACCTTCCTGGACTGTC-3'

ClinVar aggregate classification (germline): Uncertain significance. Review status: criteria provided, multiple submitters, no conflicts (2 of 4 stars). 2 submissions from 2 submitters: Uncertain significance (2). Last evaluated 2024-10-10.

Conditions:
GALNT12-related disorder. Also called: GALNT12-related condition.

Allele frequency attached by ClinVar (database versions not stated): TOPMed below 0.00001.

Submissions (2):

PreventionGenetics, part of Exact Sciences
Classification: Uncertain significance for GALNT12-related condition. Last evaluated: 2024-10-10. Review status: criteria provided, single submitter. Criteria: ACMG Guidelines, 2015. Collection method: clinical testing. Allele origin: germline.
Comment: The GALNT12 c.628C>T variant is predicted to result in premature protein termination (p.Arg210*). This variant was reported as a pathogenic variant in an individual with urothelial cancer (Supplementary Table 4, Bertelsen et al. 2019. PubMed ID: 31263571). This variant has not been reported in gnomAD, and is interpreted as uncertain in ClinVar. The current clinical and genetic evidence is not sufficient to establish whether loss-of-function variants in GALNT12 cause disease. At this time, the clinical significance of this variant is uncertain due to the absence of conclusive functional and genetic evidence.

Ambry Genetics
Classification: Uncertain significance. Last evaluated: 2024-02-26. Review status: criteria provided, single submitter. Criteria: Ambry Variant Classification Scheme 2023. Collection method: clinical testing. Allele origin: germline.
Comment: The p.R210* variant (also known as c.628C>T), located in coding exon 3 of the GALNT12 gene, results from a C to T substitution at nucleotide position 628. This changes the amino acid from an arginine to a stop codon within coding exon 3. This alteration is expected to result in loss of function by premature protein truncation or nonsense-mediated mRNA decay. The evidence for this gene-disease relationship is limited; therefore, the clinical significance of this alteration is unclear.